The following is an entry in ClinVar:

NM_003356.4(UCP3):c.680C>T (p.Ala227Val)

Gene: UCP3 (uncoupling protein 3; minus strand). Cytogenetic location: 11q13.4.
Variant type: single nucleotide variant.
Coding change: c.680C>T on transcript NM_003356.4 (MANE Select); coding-DNA position 680, C replaced by T.
Protein change: p.Ala227Val; replaces alanine 227 with valine.
Molecular consequence: missense variant.
Genome position (GRCh38, 1-based): chr11:74,003,971, G>A on the plus strand (C>T on the coding strand, the complement: UCP3 is on the minus strand). VCF-style: chr11-74003971-G-A. GRCh37 (hg19) VCF-style: chr11-73715016-G-A.
Other names: c.680C>T, p.Ala227Val (NM_022803.3); short protein forms A227V.
Identifiers: ClinVar variation 3344793 (VCV003344793.1).

ClinVar aggregate classification (germline): Uncertain significance (0 of 4 stars; one submission).

Conditions:
UCP3-related disorder. Also called: UCP3-related condition.

gnomAD v4.1: 5 of 1,613,990 alleles (0.00031%); highest among the groups gnomAD compares: Non-Finnish European, 0.00042%; no homozygotes.

Submission:

PreventionGenetics, part of Exact Sciences
Classification: Uncertain significance for UCP3-related condition. Last evaluated: 2024-07-29. Review status: no assertion criteria provided. Collection method: clinical testing. Allele origin: germline.
Comment: The UCP3 c.680C>T variant is predicted to result in the amino acid substitution p.Ala227Val. To our knowledge, this variant has not been reported in the literature or in a large population database, indicating this variant is rare. At this time, the clinical significance of this variant is uncertain due to the absence of conclusive functional and genetic evidence.